The following is an entry in ClinVar:

ClinVar aggregate classification (germline): Uncertain significance (1 of 4 stars; one submission).

Submission:

CeGaT Center for Human Genetics Tuebingen
Classification: Uncertain significance. Last evaluated: 2026-06-01. Review status: criteria provided, single submitter. Criteria: CeGaT Center For Human Genetics Tuebingen Variant Classification Criteria Version 2. Collection method: clinical testing. Allele origin: germline. Affected: yes. Observed: 1 variant allele.
Comment: SPG11: PM2, PP3

NM_025137.4(SPG11):c.4807T>A (p.Cys1603Ser)

Gene: SPG11 (SPG11 vesicle trafficking associated, spatacsin; minus strand). Cytogenetic location: 15q21.1.
Variant type: single nucleotide variant.
Coding change: c.4807T>A on transcript NM_025137.4 (MANE Select); coding-DNA position 4807, T replaced by A.
Protein change: p.Cys1603Ser; replaces cysteine 1603 with serine.
Molecular consequence: missense variant.
Genome position (GRCh38, 1-based): chr15:44,589,351, A>T on the plus strand (T>A on the coding strand, the complement: SPG11 is on the minus strand). VCF-style: chr15-44589351-A-T. GRCh37 (hg19) VCF-style: chr15-44881549-A-T.
Other names: c.4807T>A, p.Cys1603Ser (NM_001160227.2, NM_001411132.1); short protein forms C1603S.
Identifiers: ClinVar variation 4874235 (VCV004874235.2).
Genomic context (GRCh38, chr15:44,589,351, plus strand): 5'-AAAGCTTCCCCAGCTCATACTGGGTCTTACACTGCTGTAGCATAAGCTTCAAAAGGAAAC[A>T]CACCTGATCCTCCAGCCACATGGCAGGGATGACAGGGTGGACCTTTGTGGCTGCTGTGTT-3'
Protein context (NP_079413.3, residues 1593-1613): IPAMWLEDQV[Cys1603Ser]FLLKLMLQQC